The following is an entry in ClinVar:

ClinVar aggregate classification (germline): Pathogenic. Review status: criteria provided, multiple submitters, no conflicts (2 of 4 stars). 3 submissions from 3 submitters: Pathogenic (3). Last evaluated 2025-06-27.

Conditions:
Hereditary cancer-predisposing syndrome. Also called: Tumor predisposition; Neoplastic Syndromes, Hereditary; Hereditary Cancer Syndrome; Hereditary neoplastic syndrome. Identifiers: Orphanet 140162, MedGen C0027672, MeSH D009386, MONDO:0015356.
Familial cancer of breast. Also called: BREAST CANCER, FAMILIAL; hereditary breast carcinoma; Hereditary breast cancer. Identifiers: Orphanet 227535, MedGen C0346153, MONDO:0016419, OMIM 114480. Disease mechanism: loss of function.
Ataxia-telangiectasia syndrome (AT). Also called: Ataxia-telangiectasia; Ataxia-telangiectasia, complementation group D; AT, COMPLEMENTATION GROUP C; LOUIS-BAR SYNDROME; Cerebello-oculocutaneous telangiectasia; Immunodeficiency with ataxia telangiectasia. Identifiers: Orphanet 100, MedGen C0004135, MONDO:0008840, OMIM 208900.

Submissions (3):

Labcorp Genetics (formerly Invitae), Labcorp
Classification: Pathogenic for Ataxia-telangiectasia syndrome. Last evaluated: 2025-06-27. Review status: criteria provided, single submitter. Criteria: Invitae Variant Classification Sherloc (09022015). Collection method: clinical testing. Allele origin: germline.
Comment: This sequence change creates a premature translational stop signal (p.Lys1920Glufs*9) in the ATM gene. It is expected to result in an absent or disrupted protein product. Loss-of-function variants in ATM are known to be pathogenic (PMID: 23807571, 25614872). This variant is not present in population databases (gnomAD no frequency). This variant has not been reported in the literature in individuals affected with ATM-related conditions. ClinVar contains an entry for this variant (Variation ID: 490621). For these reasons, this variant has been classified as Pathogenic.

Myriad Genetics, Inc.
Classification: Pathogenic for Familial cancer of breast. Last evaluated: 2024-01-25. Review status: criteria provided, single submitter. Criteria: Myriad Autosomal Dominant, Autosomal Recessive and X-Linked Classification Criteria (2023). Collection method: clinical testing. Allele origin: unknown.
Comment: This variant is considered pathogenic. This variant creates a frameshift predicted to result in premature protein truncation.

Color Diagnostics, LLC DBA Color Health
Classification: Pathogenic for Hereditary cancer-predisposing syndrome. Last evaluated: 2020-05-14. Review status: criteria provided, single submitter. Criteria: ACMG Guidelines, 2015. Collection method: clinical testing. Allele origin: germline.
Comment: This variant deletes 2 nucleotides in exon 38 of the ATM gene, creating a frameshift and premature translation stop signal. This variant is expected to result in an absent or non-functional protein product. To our knowledge, this variant has not been reported in individuals affected with hereditary cancer in the literature. This variant has not been identified in the general population by the Genome Aggregation Database (gnomAD). Loss of ATM function is a known mechanism of disease. Based on the available evidence, this variant is classified as Pathogenic.

Literature cited by the submitters: PubMed 23807571 (cited by Labcorp Genetics (formerly Invitae), Labcorp); PubMed 25614872 (cited by Labcorp Genetics (formerly Invitae), Labcorp).

NM_000051.4(ATM):c.5758_5759del (p.Lys1920fs)

Gene: ATM (ATM serine/threonine kinase; plus strand). Cytogenetic location: 11q22.3.
Variant type: Deletion.
Coding change: c.5758_5759del on transcript NM_000051.4 (MANE Select); coding-DNA positions 5758 to 5759, 2 bases deleted (AA; older notation c.5758_5759delAA).
Protein change: p.Lys1920fs; shifts the reading frame from lysine 1920.
Molecular consequence: frameshift variant.
Genome position (GRCh38, 1-based): chr11:108,307,980-108,307,981, AA deleted; deleting any 2 consecutive bases within chr11:108,307,978-108,307,981 gives the same sequence; the c. name uses the placement nearest the transcript's 3' end. VCF-style (leftmost placement, unchanged base first): chr11-108307977-CAA-C. GRCh37 (hg19) VCF-style: chr11-108178704-CAA-C.
Other names: c.5758_5759delAA (NM_000051.3); c.5758_5759del, p.Lys1920fs (NM_001351834.2); short protein forms K1920fs.
Identifiers: ClinVar variation 490621 (VCV000490621.6), dbSNP rs1555109177, ClinGen allele CA658683128.